The following is an entry in ClinVar:

NM_001369.3(DNAH5):c.6580A>G (p.Ile2194Val)

Gene: DNAH5 (dynein axonemal heavy chain 5; minus strand). Cytogenetic location: 5p15.2.
Variant type: single nucleotide variant.
Coding change: c.6580A>G on transcript NM_001369.3 (MANE Select); coding-DNA position 6580, A replaced by G.
Protein change: p.Ile2194Val; replaces isoleucine 2194 with valine.
Molecular consequence: missense variant.
Genome position (GRCh38, 1-based): chr5:13,823,370, T>C on the plus strand (A>G on the coding strand, the complement: DNAH5 is on the minus strand). VCF-style: chr5-13823370-T-C. GRCh37 (hg19) VCF-style: chr5-13823479-T-C.
Other names: short protein forms I2194V.
Identifiers: ClinVar variation 2113074 (VCV002113074.4), dbSNP rs2546854013, ClinGen allele CA359196134.

ClinVar aggregate classification (germline): Uncertain significance (1 of 4 stars; one submission).

Conditions:
Primary ciliary dyskinesia. Also called: Ciliary dyskinesia. Identifiers: Orphanet 244, MedGen C0008780, MONDO:0016575, HP:0012265.

Allele frequency attached by ClinVar (database versions not stated): gnomAD exomes below 0.00001.
gnomAD v4.1: 1 of 1,603,800 alleles (0.000062%); highest among the groups gnomAD compares: Middle Eastern, 0.017%; no homozygotes.

Submission:

Labcorp Genetics (formerly Invitae), Labcorp
Classification: Uncertain significance for Primary ciliary dyskinesia. Last evaluated: 2022-11-01. Review status: criteria provided, single submitter. Criteria: Invitae Variant Classification Sherloc (09022015). Collection method: clinical testing. Allele origin: germline.
Comment: In summary, the available evidence is currently insufficient to determine the role of this variant in disease. Therefore, it has been classified as a Variant of Uncertain Significance. Algorithms developed to predict the effect of missense changes on protein structure and function are either unavailable or do not agree on the potential impact of this missense change (SIFT: "Deleterious"; PolyPhen-2: "Benign"; Align-GVGD: "Class C0"). This variant has not been reported in the literature in individuals affected with DNAH5-related conditions. This variant is not present in population databases (gnomAD no frequency). This sequence change replaces isoleucine, which is neutral and non-polar, with valine, which is neutral and non-polar, at codon 2194 of the DNAH5 protein (p.Ile2194Val).